The following is an entry in ClinVar:

NM_000348.4(SRD5A2):c.620C>A (p.Ala207Asp)

Gene: SRD5A2 (steroid 5 alpha-reductase 2; minus strand). Cytogenetic location: 2p23.1.
Variant type: single nucleotide variant.
Coding change: c.620C>A on transcript NM_000348.4 (MANE Select); coding-DNA position 620, C replaced by A.
Protein change: p.Ala207Asp; replaces alanine 207 with aspartic acid.
Molecular consequence: missense variant.
Genome position (GRCh38, 1-based): chr2:31,529,385, G>T on the plus strand (C>A on the coding strand, the complement: SRD5A2 is on the minus strand). VCF-style: chr2-31529385-G-T. GRCh37 (hg19) VCF-style: chr2-31754455-G-T.
Other names: short protein forms A207D.
Identifiers: ClinVar variation 529238 (VCV000529238.9), dbSNP rs767564684, ClinGen allele CA1599876.

ClinVar aggregate classification (germline): Pathogenic/Likely pathogenic. Review status: criteria provided, multiple submitters, no conflicts (2 of 4 stars). 3 submissions from 3 submitters: Pathogenic (2); Likely pathogenic (1). Last evaluated 2025-09-03.

Conditions:
3-Oxo-5 alpha-steroid delta 4-dehydrogenase deficiency (PPSH). Also called: PSEUDOVAGINAL PERINEOSCROTAL HYPOSPADIAS; FAMILIAL INCOMPLETE MALE PSEUDOHERMAPHRODITISM, TYPE 2; MALE PSEUDOHERMAPHRODITISM DUE TO 5-ALPHA-REDUCTASE DEFICIENCY; 46,XY disorder of sex development due to 5-alpha-reductase 2 deficiency. Identifiers: Orphanet 753, MedGen C0268297, MONDO:0009923, OMIM 264600. Disease mechanism: loss of function.

Allele frequency attached by ClinVar (database versions not stated): TOPMed below 0.00001; ExAC 0.00001; gnomAD 0.00001; gnomAD exomes 0.00001.
gnomAD v4.1: 13 of 1,613,810 alleles (0.00081%); highest among the groups gnomAD compares: Admixed American, 0.005%; no homozygotes.

Submissions (3):

Labcorp Genetics (formerly Invitae), Labcorp
Classification: Pathogenic for 3-Oxo-5 alpha-steroid delta 4-dehydrogenase deficiency. Last evaluated: 2025-09-03. Review status: criteria provided, single submitter. Criteria: Invitae Variant Classification Sherloc (09022015). Collection method: clinical testing. Allele origin: germline.
Comment: This sequence change replaces alanine, which is neutral and non-polar, with aspartic acid, which is acidic and polar, at codon 207 of the SRD5A2 protein (p.Ala207Asp). This variant is present in population databases (rs767564684, gnomAD 0.003%). This missense change has been observed in individual(s) with steroid-5 alpha-reductase deficiency (PMID: 1522235, 17609295, 20019388). ClinVar contains an entry for this variant (Variation ID: 529238). Invitae Evidence Modeling of protein sequence and biophysical properties (such as structural, functional, and spatial information, amino acid conservation, physicochemical variation, residue mobility, and thermodynamic stability) indicates that this missense variant is expected to disrupt SRD5A2 protein function with a positive predictive value of 80%. Experimental studies have shown that this missense change affects SRD5A2 function (PMID: 8110760). For these reasons, this variant has been classified as Pathogenic.

Clinical Biochemistry Laboratory, Health Services Laboratory
Classification: Pathogenic for 3-Oxo-5 alpha-steroid delta 4-dehydrogenase deficiency. Last evaluated: 2023-11-20. Review status: criteria provided, single submitter. Criteria: ACMG Guidelines, 2015. Collection method: clinical testing. Allele origin: germline. Affected: yes.
Comment: ACMG:PS5 PM2 PP4 PP5

Department of Pathology and Laboratory Medicine, Sinai Health System
Classification: Likely pathogenic for 3-Oxo-5 alpha-steroid delta 4-dehydrogenase deficiency. Last evaluated: 2023-08-09. Review status: criteria provided, single submitter. Criteria: ACMG Guidelines, 2015. Collection method: research. Allele origin: germline.

Literature cited by the submitters: PubMed 1522235 (cited by Labcorp Genetics (formerly Invitae), Labcorp); PubMed 17609295 (cited by Labcorp Genetics (formerly Invitae), Labcorp); PubMed 20019388 (cited by Labcorp Genetics (formerly Invitae), Labcorp); PubMed 8110760 (cited by Labcorp Genetics (formerly Invitae), Labcorp).